The following is an entry in ClinVar:

NM_020975.6(RET):c.2449C>T (p.Arg817Cys)

Gene: RET (ret proto-oncogene; plus strand). Cytogenetic location: 10q11.21.
Variant type: single nucleotide variant.
Coding change: c.2449C>T on transcript NM_020975.6 (MANE Select); coding-DNA position 2449, C replaced by T.
Protein change: p.Arg817Cys; replaces arginine 817 with cysteine.
Molecular consequence: missense variant.
Genome position (GRCh38, 1-based): chr10:43,119,587, C>T. VCF-style: chr10-43119587-C-T. GRCh37 (hg19) VCF-style: chr10-43615035-C-T.
Other names: c.1552C>T, p.Arg518Cys (NM_001406779.1, NM_001406780.1, NM_001406781.1 and 1 more transcripts); c.1423C>T, p.Arg475Cys (NM_001406783.1, NM_001406786.1); c.1459C>T, p.Arg487Cys (NM_001406784.1); c.1432C>T, p.Arg478Cys (NM_001406785.1); c.1417C>T, p.Arg473Cys (NM_001406787.1); c.1264C>T, p.Arg422Cys (NM_001406788.1, NM_001406789.1, NM_001406790.1); c.2449C>T, p.Arg817Cys (NM_000323.2, NM_001406743.1, NM_001406744.1 and 4 more transcripts); c.1687C>T, p.Arg563Cys (NM_001355216.2); and 10 more; short protein forms R817C, R563C, R487C, R642C, R671C, R721C, R382C, R422C.
Identifiers: ClinVar variation 136111 (VCV000136111.30), dbSNP rs142318626, ClinGen allele CA008792.

ClinVar aggregate classification (germline): Uncertain significance. Review status: criteria provided, multiple submitters, no conflicts (2 of 4 stars). 12 submissions from 11 submitters: Uncertain significance (10). 2 of the submissions do not count toward it. Last evaluated 2025-09-18.

Conditions:
Pheochromocytoma. Also called: MAX-Related Hereditary Paraganglioma-Pheochromocytoma Syndrome. Identifiers: Orphanet 29072, MedGen C0031511, MONDO:0008233, OMIM 171300, HP:0002666.
Hirschsprung disease, susceptibility to, 1 (HSCR1). Also called: RET-Related Hirschsprung Disease. Identifiers: Orphanet 388, MedGen C3888239, MONDO:0007723, OMIM 142623.
Familial medullary thyroid carcinoma (MTC). Also called: Thyroid cancer, familial medullary; MTC, familial; Familial Medullary Thyroid Carcinoma (FMTC). Identifiers: Orphanet 653, Orphanet 99361, MedGen C1833921, MONDO:0007958, OMIM 155240.
Multiple endocrine neoplasia type 2B. Also called: MEN IIB; NEUROMATA, MUCOSAL, WITH ENDOCRINE TUMORS; WAGENMANN-FROBOESE SYNDROME; MULTIPLE ENDOCRINE NEOPLASIA, TYPE III; MULTIPLE ENDOCRINE NEOPLASIA, TYPE IIB; MEN 2B. Identifiers: Orphanet 247709, Orphanet 653, MedGen C0025269, MeSH D018814, MONDO:0008082, OMIM 162300.
Multiple endocrine neoplasia type 2A. Also called: Multiple Endocrine Neoplasia Type 2A (MEN2A); MULTIPLE ENDOCRINE NEOPLASIA, TYPE IIA; PTC SYNDROME; SIPPLE SYNDROME; MEN 2A; MEN-2A syndrome. Identifiers: Orphanet 247698, Orphanet 653, MedGen C0025268, MeSH D018813, MONDO:0008234, OMIM 171400.
Hereditary cancer-predisposing syndrome. Also called: Tumor predisposition; Hereditary neoplastic syndrome; Hereditary Cancer Syndrome; Neoplastic Syndromes, Hereditary. Identifiers: Orphanet 140162, MedGen C0027672, MeSH D009386, MONDO:0015356.
Multiple endocrine neoplasia, type 2 (MEN2). Identifiers: Orphanet 653, MedGen C4048306, MONDO:0019003. Disease mechanism: gain of function.

Allele frequency attached by ClinVar (database versions not stated): TOPMed 0.00001; gnomAD exomes 0.00002 and 0.00001; ExAC 0.00003; ESP Exome Variant Server 0.00008.
gnomAD v4.1: 12 of 1,611,610 alleles (0.00074%); highest among the groups gnomAD compares: Non-Finnish European, 0.00093%; no homozygotes.

Submissions (12):

Labcorp Genetics (formerly Invitae), Labcorp
Classification: Uncertain significance for Multiple endocrine neoplasia, type 2. Last evaluated: 2025-09-18. Review status: criteria provided, single submitter. Criteria: Invitae Variant Classification Sherloc (09022015). Collection method: clinical testing. Allele origin: germline.
Comment: This sequence change replaces arginine, which is basic and polar, with cysteine, which is neutral and slightly polar, at codon 817 of the RET protein (p.Arg817Cys). This variant is present in population databases (rs142318626, gnomAD 0.005%). This variant has not been reported in the literature in individuals affected with RET-related conditions. ClinVar contains an entry for this variant (Variation ID: 136111). An algorithm developed to predict the effect of missense changes on protein structure and function (PolyPhen-2) suggests that this variant is likely to be disruptive. Experimental studies have shown that this missense change does not substantially affect RET function (PMID: 29625052). In summary, the available evidence is currently insufficient to determine the role of this variant in disease. Therefore, it has been classified as a Variant of Uncertain Significance.

GeneDx
Classification: Uncertain significance. Last evaluated: 2025-06-17. Review status: criteria provided, single submitter. Criteria: GeneDx Variant Classification Process June 2021. Collection method: clinical testing. Allele origin: germline. Affected: yes.
Comment: Not observed at significant frequency in large population cohorts (gnomAD); In silico analysis supports that this missense variant has a deleterious effect on protein structure/function; Identified in an individual with early-onset renal cancer (PMID: 37095444); This variant is associated with the following publications: (PMID: 24336963, 29625052, 37095444, 14633923)

All of Us Research Program, National Institutes of Health
Classification: Uncertain significance for Multiple endocrine neoplasia, type 2. Last evaluated: 2024-07-10. Review status: criteria provided, single submitter. Criteria: ACMG Guidelines, 2015. Collection method: clinical testing. Allele origin: germline. Inheritance: Autosomal dominant inheritance. Observed: 6 variant alleles, 6 heterozygotes.
Comment: This missense variant replaces arginine with cysteine at codon 817 of the RET protein. Computational prediction suggests that this variant may have deleterious impact on protein structure and function (internally defined REVEL score threshold >= 0.7, PMID: 27666373). A functional study has reported that this variant did not cause ectopic activation of RET kinase activity in a cellular assay (PMID: 29625052). This variant has not been reported in individuals affected with hereditary cancer in the literature. This variant has been identified in 4/244670 chromosomes in the general population by the Genome Aggregation Database (gnomAD). The available evidence is insufficient to determine the role of this variant in disease conclusively. Therefore, this variant is classified as a Variant of Uncertain Significance.

This study involves interpretation of variants in research participants for the purpose of population health screening. Participant phenotype was not available at the time of variant classification. Additional details can be found in publication PMID: 35346344, PMCID: PMC8962531

Color Diagnostics, LLC DBA Color Health
Classification: Uncertain significance for Multiple endocrine neoplasia, type 2. Last evaluated: 2024-06-20. Review status: criteria provided, single submitter. Criteria: ACMG Guidelines, 2015. Collection method: clinical testing. Allele origin: germline.
Comment: This missense variant replaces arginine with cysteine at codon 817 of the RET protein. Computational prediction suggests that this variant may have deleterious impact on protein structure and function. A functional study has reported that this variant did not cause ectopic activation of RET kinase activity in a cellular assay (PMID: 29625052). This variant has not been reported in individuals affected with hereditary cancer in the literature. This variant has been identified in 4/244670 chromosomes in the general population by the Genome Aggregation Database (gnomAD). The available evidence is insufficient to determine the role of this variant in disease conclusively. Therefore, this variant is classified as a Variant of Uncertain Significance.

Fulgent Genetics
Classification: Uncertain significance for Hirschsprung disease, susceptibility to, 1; Familial medullary thyroid carcinoma; Multiple endocrine neoplasia type 2B; Pheochromocytoma; Multiple endocrine neoplasia type 2A. Last evaluated: 2024-04-06. Review status: criteria provided, single submitter. Criteria: ACMG Guidelines, 2015. Collection method: clinical testing. Allele origin: germline.

Ambry Genetics
Classification: Uncertain significance for Hereditary cancer-predisposing syndrome. Last evaluated: 2024-03-22. Review status: criteria provided, single submitter. Criteria: Ambry Variant Classification Scheme 2023. Collection method: clinical testing. Allele origin: germline.
Comment: The p.R817C variant (also known as c.2449C>T), located in coding exon 14 of the RET gene, results from a C to T substitution at nucleotide position 2449. The arginine at codon 817 is replaced by cysteine, an amino acid with highly dissimilar properties. This amino acid position is highly conserved in available vertebrate species. In addition, this alteration is predicted to be deleterious by in silico analysis. Based on data from gnomAD, the frequency for this variant is above the maximum credible frequency for a disease-causing variant in this gene based on internally established thresholds (Karczewski et al. Nature. 2020 May;581(7809):434-443; Whiffin et al. Genet Med. 2017 10;19:1151-1158). Based on the supporting evidence, the association of this alteration with Hirschsprung disease is unknown; however, the association of this alteration with MEN2 is unlikely.

Baylor Genetics
Classification: Uncertain significance for Hirschsprung disease, susceptibility to, 1. Last evaluated: 2024-03-21. Review status: criteria provided, single submitter. Criteria: ACMG Guidelines, 2015. Collection method: clinical testing. Allele origin: unknown.

Myriad Genetics, Inc.
Classification: Uncertain significance for Multiple endocrine neoplasia type 2A. Last evaluated: 2023-04-18. Review status: criteria provided, single submitter. Criteria: Myriad Autosomal Dominant, Autosomal Recessive and X-Linked Classification Criteria (2023). Collection method: clinical testing. Allele origin: unknown.
Comment: This variant is classified as a variant of uncertain significance as there is insufficient evidence to determine its impact on protein function and/or cancer risk.

HudsonAlpha Institute for Biotechnology
Classification: Uncertain significance for Hirschsprung disease, susceptibility to, 1. Last evaluated: 2022-06-21. Review status: criteria provided, single submitter. Criteria: ACMG Guidelines, 2015. Collection method: research. Allele origin: paternal. Affected: no and yes. Observed: 2 variant alleles. Study: HudsonAlpha-AGHI-WGS.
Comment: ACMG codes:PM1_Moderate, PP3_Supporting

Blueprint Genetics
Classification: Uncertain significance. Last evaluated: 2022-04-29. Review status: criteria provided, single submitter. Criteria: ACMG Guidelines, 2015. Collection method: clinical testing. Allele origin: germline.

Counsyl
Classification: Uncertain significance for Multiple endocrine neoplasia type 2B. Last evaluated: 2016-05-20. Review status: no assertion criteria provided. Collection method: clinical testing. Allele origin: unknown. Not counted in ClinVar's aggregate classification.

Counsyl
Classification: Uncertain significance for Multiple endocrine neoplasia type 2A. Last evaluated: 2016-05-20. Review status: no assertion criteria provided. Collection method: clinical testing. Allele origin: unknown. Not counted in ClinVar's aggregate classification.

Literature cited by the submitters: PubMed 29625052 (cited by 3 submitters); PubMed 24336963 (cited by Counsyl).